The following is an entry in ClinVar:

ClinVar aggregate classification (germline): Uncertain significance. Review status: criteria provided, multiple submitters, no conflicts (2 of 4 stars). 2 submissions from 2 submitters: Uncertain significance (2). Last evaluated 2023-05-15.

Conditions:
Autosomal dominant Parkinson disease 8. Also called: Parkinson disease 8, susceptibility to; Parkinson disease 8; LRRK2-Related Parkinson Disease. Identifiers: Orphanet 411602, MedGen C1846862, MONDO:0011764, OMIM 607060.

Submissions (2):

GeneDx
Classification: Uncertain significance. Last evaluated: 2023-05-15. Review status: criteria provided, single submitter. Criteria: GeneDx Variant Classification Process June 2021. Collection method: clinical testing. Allele origin: germline. Affected: yes.
Comment: Not observed in large population cohorts (gnomAD); In silico analysis, which includes protein predictors and evolutionary conservation, supports that this variant does not alter protein structure/function; Has not been previously published as pathogenic or benign to our knowledge

Labcorp Genetics (formerly Invitae), Labcorp
Classification: Uncertain significance for Autosomal dominant Parkinson disease 8. Last evaluated: 2022-09-28. Review status: criteria provided, single submitter. Criteria: Invitae Variant Classification Sherloc (09022015). Collection method: clinical testing. Allele origin: germline.
Comment: This sequence change replaces histidine, which is basic and polar, with leucine, which is neutral and non-polar, at codon 1621 of the LRRK2 protein (p.His1621Leu). This variant is present in population databases (no rsID available, gnomAD 0.2%). This variant has not been reported in the literature in individuals affected with LRRK2-related conditions. ClinVar contains an entry for this variant (Variation ID: 1187895). Algorithms developed to predict the effect of missense changes on protein structure and function are either unavailable or do not agree on the potential impact of this missense change (SIFT: "Not Available"; PolyPhen-2: "Benign"; Align-GVGD: "Not Available"). In summary, the available evidence is currently insufficient to determine the role of this variant in disease. Therefore, it has been classified as a Variant of Uncertain Significance.

NM_198578.4(LRRK2):c.4862_4863delinsTA (p.His1621Leu)

Gene: LRRK2 (leucine rich repeat kinase 2; plus strand). Cytogenetic location: 12q12.
Variant type: Indel.
Coding change: c.4862_4863delinsTA on transcript NM_198578.4 (MANE Select); coding-DNA positions 4862 to 4863, AC replaced by TA.
Protein change: p.His1621Leu; replaces histidine 1621 with leucine.
Molecular consequence: missense variant.
Genome position (GRCh38, 1-based): chr12:40,320,022-40,320,023, AC replaced by TA. VCF-style: chr12-40320022-AC-TA. GRCh37 (hg19) VCF-style: chr12-40713824-AC-TA.
Other names: c.4862_4863delinsTA (NM_198578.3); c.4862_4863delACinsTA (NM_198578.3); short protein forms H1621L.
Identifiers: ClinVar variation 1187895 (VCV001187895.8), dbSNP rs2136879702, ClinGen allele CA2499221626.